The following is an entry in ClinVar:

NM_000180.4(GUCY2D):c.373G>A (p.Val125Met)

Gene: GUCY2D (guanylate cyclase 2D, retinal; plus strand). Cytogenetic location: 17p13.1.
Variant type: single nucleotide variant.
Coding change: c.373G>A on transcript NM_000180.4 (MANE Select); coding-DNA position 373, G replaced by A.
Protein change: p.Val125Met; replaces valine 125 with methionine.
Molecular consequence: missense variant.
Genome position (GRCh38, 1-based): chr17:8,003,420, G>A. VCF-style: chr17-8003420-G-A. GRCh37 (hg19) VCF-style: chr17-7906738-G-A.
Other names: short protein forms V125M.
Identifiers: ClinVar variation 4783115 (VCV004783115.1).

ClinVar aggregate classification (germline): Uncertain significance (1 of 4 stars; one submission).

Conditions:
Leber congenital amaurosis 1 (LCA1). Also called: AMAUROSIS CONGENITA OF LEBER I; RETINAL BLINDNESS, CONGENITAL; Congenital absence of the rods and cones; Leber's congenital tapetoretinal degeneration; Leber's congenital tapetoretinal dysplasia. Identifiers: Orphanet 65, MedGen C2931258, MONDO:0008764, OMIM 204000.
Cone-rod dystrophy 6 (CORD6). Also called: RETINAL CONE DYSTROPHY 2; Cone dystrophy progressive. Identifiers: Orphanet 1872, MedGen C1866293, MONDO:0011143, OMIM 601777.

gnomAD v4.1: 1 of 1,505,376 alleles (0.000066%); highest among the groups gnomAD compares: Non-Finnish European, 0.000088%; no homozygotes.

Submission:

Labcorp Genetics (formerly Invitae), Labcorp
Classification: Uncertain significance for Leber congenital amaurosis 1; Cone-rod dystrophy 6. Last evaluated: 2026-01-28. Review status: criteria provided, single submitter. Criteria: Invitae Variant Classification Sherloc (09022015). Collection method: clinical testing. Allele origin: germline.
Comment: This sequence change replaces valine, which is neutral and non-polar, with methionine, which is neutral and non-polar, at codon 125 of the GUCY2D protein (p.Val125Met). This variant is not present in population databases (gnomAD no frequency). This variant has not been reported in the literature in individuals affected with GUCY2D-related conditions. Invitae Evidence Modeling of protein sequence and biophysical properties (such as structural, functional, and spatial information, amino acid conservation, physicochemical variation, residue mobility, and thermodynamic stability) indicates that this missense variant is not expected to disrupt GUCY2D protein function with a negative predictive value of 80%. In summary, the available evidence is currently insufficient to determine the role of this variant in disease. Therefore, it has been classified as a Variant of Uncertain Significance.